The following is an entry in ClinVar:

NM_176824.3(BBS7):c.838C>T (p.Arg280Ter)

Gene: BBS7 (Bardet-Biedl syndrome 7; minus strand). Cytogenetic location: 4q27.
Variant type: single nucleotide variant.
Coding change: c.838C>T on transcript NM_176824.3 (MANE Select); coding-DNA position 838, C replaced by T.
Protein change: p.Arg280Ter; replaces arginine 280 with a stop codon.
Molecular consequence: nonsense.
Genome position (GRCh38, 1-based): chr4:121,852,967, G>A on the plus strand (C>T on the coding strand, the complement: BBS7 is on the minus strand). VCF-style: chr4-121852967-G-A. GRCh37 (hg19) VCF-style: chr4-122774122-G-A.
Other names: c.838C>T, p.Arg280Ter (NM_018190.4); short protein forms R280*.
Identifiers: ClinVar variation 960839 (VCV000960839.14), dbSNP rs151275562, ClinGen allele CA3064401.

ClinVar aggregate classification (germline): Pathogenic/Likely pathogenic. Review status: criteria provided, multiple submitters, no conflicts (2 of 4 stars). 5 submissions from 5 submitters: Pathogenic (3); Likely pathogenic (2). Last evaluated 2025-12-24.

Conditions:
Bardet-Biedl syndrome 7 (BBS7). Identifiers: Orphanet 110, MedGen C1859565, MONDO:0014435, OMIM 615984.
BBS7-related disorder. Also called: BBS7-related condition.
Bardet-Biedl syndrome (BBS). Identifiers: Orphanet 110, MedGen C0752166, MONDO:0015229.

Allele frequency attached by ClinVar (database versions not stated): gnomAD 0.00001; gnomAD exomes 0.00001 and 0.00002; ExAC 0.00003; TOPMed 0.00003; ESP Exome Variant Server 0.00008.

Submissions (5):

Labcorp Genetics (formerly Invitae), Labcorp
Classification: Pathogenic for Bardet-Biedl syndrome. Last evaluated: 2025-12-24. Review status: criteria provided, single submitter. Criteria: Invitae Variant Classification Sherloc (09022015). Collection method: clinical testing. Allele origin: germline.
Comment: This sequence change creates a premature translational stop signal (p.Arg280*) in the BBS7 gene. It is expected to result in an absent or disrupted protein product. Loss-of-function variants in BBS7 are known to be pathogenic (PMID: 12567324, 19402160, 21209035, 31196119). This variant is present in population databases (rs151275562, gnomAD 0.006%). This premature translational stop signal has been observed in individual(s) with Bardet-Biedl syndrome (PMID: 21209035). ClinVar contains an entry for this variant (Variation ID: 960839). For these reasons, this variant has been classified as Pathogenic.

3billion
Classification: Pathogenic for Bardet-Biedl syndrome 7. Last evaluated: 2025-03-28. Review status: criteria provided, single submitter. Criteria: ACMG Guidelines, 2015. Collection method: clinical testing. Allele origin: germline. Affected: yes.
Comment: The variant is observed at an extremely low frequency in the gnomAD v4.1.0 dataset (total allele frequency: <0.001%). Predicted Consequence/Location: Stop-gained (nonsense): predicted to result in a loss or disruption of normal protein function through nonsense-mediated decay (NMD) or protein truncation. Multiple pathogenic variants are reported downstream of the variant. The variant was homozygous. The variant has been reported at least twice as pathogenic with clinical assertions and evidence for the classification (ClinVar ID: VCV000960839 / PMID: 21209035 / 3billion dataset). Therefore, this variant is classified as Pathogenic according to the recommendation of ACMG/AMP guideline.

Fulgent Genetics
Classification: Likely pathogenic for Bardet-Biedl syndrome 7. Last evaluated: 2024-04-06. Review status: criteria provided, single submitter. Criteria: ACMG Guidelines, 2015. Collection method: clinical testing. Allele origin: germline.

Baylor Genetics
Classification: Pathogenic for Bardet-Biedl syndrome 7. Last evaluated: 2024-01-26. Review status: criteria provided, single submitter. Criteria: ACMG Guidelines, 2015. Collection method: clinical testing. Allele origin: unknown.

Blueprint Genetics
Classification: Likely pathogenic for BBS7-related disorders. Last evaluated: 2018-07-27. Review status: criteria provided, single submitter. Criteria: ACMG Guidelines, 2015. Collection method: clinical testing. Allele origin: germline. Affected: yes. Observed: 1 variant allele.

Literature cited by the submitters: PubMed 12567324 (cited by Labcorp Genetics (formerly Invitae), Labcorp); PubMed 19402160 (cited by Labcorp Genetics (formerly Invitae), Labcorp); PubMed 21209035 (cited by Labcorp Genetics (formerly Invitae), Labcorp and 3billion); PubMed 31196119 (cited by Labcorp Genetics (formerly Invitae), Labcorp).